The following is an entry in ClinVar:

ClinVar aggregate classification (germline): Uncertain significance (1 of 4 stars; one submission).

Conditions:
Cardiovascular phenotype. Identifiers: MedGen CN230736.

Submission:

Ambry Genetics
Classification: Uncertain significance for Cardiovascular phenotype. Last evaluated: 2025-02-24. Review status: criteria provided, single submitter. Criteria: Ambry Variant Classification Scheme 2023. Collection method: clinical testing. Allele origin: germline.
Comment: The p.A736S variant (also known as c.2206G>T), located in coding exon 32 of the COL1A1 gene, results from a G to T substitution at nucleotide position 2206. The alanine at codon 736 is replaced by serine, an amino acid with similar properties. This amino acid position is well conserved in available vertebrate species. In addition, the in silico prediction for this alteration is inconclusive. Based on the available evidence, the clinical significance of this variant remains unclear.

NM_000088.4(COL1A1):c.2206G>T (p.Ala736Ser)

Gene: COL1A1 (collagen type I alpha 1 chain; minus strand). Cytogenetic location: 17q21.33.
Variant type: single nucleotide variant.
Coding change: c.2206G>T on transcript NM_000088.4 (MANE Select); coding-DNA position 2206, G replaced by T.
Protein change: p.Ala736Ser; replaces alanine 736 with serine.
Molecular consequence: missense variant.
Genome position (GRCh38, 1-based): chr17:50,191,412, C>A on the plus strand (G>T on the coding strand, the complement: COL1A1 is on the minus strand). VCF-style: chr17-50191412-C-A. GRCh37 (hg19) VCF-style: chr17-48268773-C-A.
Other names: short protein forms A736S.
Identifiers: ClinVar variation 3835084 (VCV003835084.1).